The following is an entry in ClinVar:

NM_000535.7(PMS2):c.1797C>G (p.Asp599Glu)

Gene: PMS2 (PMS1 homolog 2, mismatch repair system component; minus strand). Cytogenetic location: 7p22.1.
Variant type: single nucleotide variant.
Coding change: c.1797C>G on transcript NM_000535.7 (MANE Select); coding-DNA position 1797, C replaced by G.
Protein change: p.Asp599Glu; replaces aspartic acid 599 with glutamic acid.
Molecular consequence: missense variant. On other transcripts: non-coding transcript variant (1).
Genome position (GRCh38, 1-based): chr7:5,986,968, G>C on the plus strand (C>G on the coding strand, the complement: PMS2 is on the minus strand). VCF-style: chr7-5986968-G-C. GRCh37 (hg19) VCF-style: chr7-6026599-G-C.
Other names: c.1392C>G, p.Asp464Glu (NM_001322003.2, NM_001322004.2, NM_001322005.2 and 1 more transcripts); c.1641C>G, p.Asp547Glu (NM_001322006.2); c.1479C>G, p.Asp493Glu (NM_001322007.2, NM_001322008.2); c.1236C>G, p.Asp412Glu (NM_001322010.2); c.864C>G, p.Asp288Glu (NM_001322011.2, NM_001322012.2); c.1224C>G, p.Asp408Glu (NM_001322013.2); c.1797C>G, p.Asp599Glu (NM_001322014.2); c.1488C>G, p.Asp496Glu (NM_001322015.2); short protein forms D288E, D408E, D412E, D464E, D493E, D496E, D547E, D599E.
Identifiers: ClinVar variation 1057119 (VCV001057119.9), dbSNP rs1261280629, ClinGen allele CA366739806.

ClinVar aggregate classification (germline): Uncertain significance (1 of 4 stars; one submission).

Conditions:
Hereditary nonpolyposis colorectal neoplasms. Identifiers: MedGen C0009405, MeSH D003123.

Submission:

Labcorp Genetics (formerly Invitae), Labcorp
Classification: Uncertain significance for Hereditary nonpolyposis colorectal neoplasms. Last evaluated: 2020-08-03. Review status: criteria provided, single submitter. Criteria: Invitae Variant Classification Sherloc (09022015). Collection method: clinical testing. Allele origin: germline.
Comment: In summary, the available evidence is currently insufficient to determine the role of this variant in disease. Therefore, it has been classified as a Variant of Uncertain Significance. Advanced modeling of protein sequence and biophysical properties (such as structural, functional, and spatial information, amino acid conservation, physicochemical variation, residue mobility, and thermodynamic stability) performed at Invitae indicates that this missense variant is not expected to disrupt PMS2 protein function. This variant has not been reported in the literature in individuals with PMS2-related conditions. This variant is not present in population databases (ExAC no frequency). This sequence change replaces aspartic acid with glutamic acid at codon 599 of the PMS2 protein (p.Asp599Glu). The aspartic acid residue is weakly conserved and there is a small physicochemical difference between aspartic acid and glutamic acid.